The following is an entry in ClinVar:

ClinVar aggregate classification (germline): Uncertain significance (1 of 4 stars; one submission).

Conditions:
Dilated cardiomyopathy 1J (CMD1J). Also called: CARDIOMYOPATHY, DILATED, WITH SENSORINEURAL HEARING LOSS, AUTOSOMAL DOMINANT. Identifiers: Orphanet 217622, MedGen C1854368, MONDO:0011541, OMIM 605362.

Submission:

Labcorp Genetics (formerly Invitae), Labcorp
Classification: Uncertain significance for Dilated cardiomyopathy 1J. Last evaluated: 2022-03-08. Review status: criteria provided, single submitter. Criteria: Invitae Variant Classification Sherloc (09022015). Collection method: clinical testing. Allele origin: germline.
Comment: In summary, the available evidence is currently insufficient to determine the role of this variant in disease. Therefore, it has been classified as a Variant of Uncertain Significance. Algorithms developed to predict the effect of missense changes on protein structure and function are either unavailable or do not agree on the potential impact of this missense change (SIFT: "Deleterious"; PolyPhen-2: "Probably Damaging"; Align-GVGD: "Class C0"). This variant has not been reported in the literature in individuals affected with EYA4-related conditions. This variant is not present in population databases (gnomAD no frequency). This sequence change replaces valine, which is neutral and non-polar, with phenylalanine, which is neutral and non-polar, at codon 432 of the EYA4 protein (p.Val432Phe).

NM_004100.5(EYA4):c.1294G>T (p.Val432Phe)

Genes: EYA4 (EYA transcriptional coactivator and phosphatase 4; plus strand), TARID (TCF21 antisense RNA inducing promoter demethylation; minus strand). Cytogenetic location: 6q23.2.
Variant type: single nucleotide variant.
Coding change: c.1294G>T on transcript NM_004100.5 (MANE Select); coding-DNA position 1294, G replaced by T.
Protein change: p.Val432Phe; replaces valine 432 with phenylalanine.
Molecular consequence: missense variant.
Genome position (GRCh38, 1-based): chr6:133,512,733, G>T. VCF-style: chr6-133512733-G-T. GRCh37 (hg19) VCF-style: chr6-133833871-G-T.
Other names: c.1132G>T, p.Val378Phe (NM_001301012.2); c.1312G>T, p.Val438Phe (NM_001301013.2); c.1225G>T, p.Val409Phe (NM_001370458.1, NM_172103.4); c.1150G>T, p.Val384Phe (NM_001370459.1); c.1294G>T, p.Val432Phe (NM_172105.4); short protein forms V378F, V432F, V409F, V384F, V438F.
Identifiers: ClinVar variation 1470224 (VCV001470224.8), dbSNP rs145253833, ClinGen allele CA365714581.
Genomic context (GRCh38, chr6:133,512,733, plus strand): 5'-AACAAGCATCATTTAGAAAACAAATAACTTTTCCAATGTTTTTAACAGGAGTGTGATCAA[G>T]TTCATATAGATGATGTTTCCTCTGATGATAATGGGCAGGACTTAAGGTAAGCTATGCCTT-3'
Protein context (NP_004091.3, residues 422-442): FFNDLEECDQ[Val432Phe]HIDDVSSDDN